The following is an entry in ClinVar:

ClinVar aggregate classification (germline): Benign/Likely benign. Review status: criteria provided, multiple submitters, no conflicts (2 of 4 stars). 4 submissions from 4 submitters: Benign (1); Likely benign (2). 1 of the submissions does not count toward it. Last evaluated 2026-01-19.

Conditions:
NHS-related disorder. Also called: NHS-related condition.
Nance-Horan syndrome (NHS). Identifiers: Orphanet 627, MedGen C0796085, MONDO:0010545, OMIM 302350.

Allele frequency attached by ClinVar (database versions not stated): gnomAD exomes 0.00008 and 0.00027; ExAC 0.00030; 1000 Genomes Project 0.00053; 1000 Genomes Project 30x 0.00062; gnomAD 0.00077 and 0.00086; ESP Exome Variant Server 0.00104; TOPMed 0.00106.
gnomAD v4.1: 191 of 1,211,446 alleles (0.016%); highest among the groups gnomAD compares: African/African-American, 0.26%; no homozygotes.

Submissions (4):

Labcorp Genetics (formerly Invitae), Labcorp
Classification: Benign for Nance-Horan syndrome. Last evaluated: 2026-01-19. Review status: criteria provided, single submitter. Criteria: Invitae Variant Classification Sherloc (09022015). Collection method: clinical testing. Allele origin: germline.

PreventionGenetics, part of Exact Sciences
Classification: Likely benign for NHS-related condition. Last evaluated: 2025-12-29. Review status: criteria provided, single submitter. Criteria: ACMG Guidelines, 2015. Collection method: clinical testing. Allele origin: germline.
Comment: This variant is classified as likely benign based on ACMG/AMP sequence variant interpretation guidelines (Richards et al. 2015 PMID: 25741868, with internal and published modifications).

Eurofins Ntd Llc (ga)
Classification: Likely benign. Last evaluated: 2016-08-01. Review status: criteria provided, single submitter. Criteria: EGL Classification Definitions 2015. Collection method: clinical testing. Allele origin: germline. Observed: 1 variant allele, 1 heterozygote.

Genetic Services Laboratory, University of Chicago
Classification: Likely benign for AllHighlyPenetrant. Review status: no assertion criteria provided. Collection method: clinical testing. Allele origin: germline. Inheritance: X-linked inheritance. Not counted in ClinVar's aggregate classification.
Comment: Likely benign based on allele frequency in 1000 Genomes Project or ESP global frequency and its presence in a patient with a rare or unrelated disease phenotype. NOT Sanger confirmed.

NM_001291867.2(NHS):c.4832G>C (p.Ser1611Thr)

Gene: NHS (NHS actin remodeling regulator; plus strand). Cytogenetic location: Xp22.13.
Variant type: single nucleotide variant.
Coding change: c.4832G>C on transcript NM_001291867.2 (MANE Select); coding-DNA position 4832, G replaced by C.
Protein change: p.Ser1611Thr; replaces serine 1611 with threonine.
Molecular consequence: missense variant.
Genome position (GRCh38, 1-based): chrX:17,732,340, G>C. VCF-style: chrX-17732340-G-C. GRCh37 (hg19) VCF-style: chrX-17750460-G-C.
Other names: c.4301G>C, p.Ser1434Thr (NM_001136024.4); c.4238G>C, p.Ser1413Thr (NM_001291868.2); c.4769G>C, p.Ser1590Thr (NM_198270.4); short protein forms S1590T, S1434T, S1611T, S1413T.
Identifiers: ClinVar variation 129777 (VCV000129777.20), dbSNP rs140651691, ClinGen allele CA154071.